The following is an entry in ClinVar:

NM_201384.3(PLEC):c.1263+6_1263+7insCAGTCGGTGAGGCAGCAGTC

Genes: PLEC (plectin; minus strand), LOC130001334 (ATAC-STARR-seq lymphoblastoid silent region 19628; plus strand). Cytogenetic location: 8q24.3.
Variant type: Insertion.
Coding change: c.1263+6_1263+7insCAGTCGGTGAGGCAGCAGTC on transcript NM_201384.3 (MANE Select); bases 6 to 7 of the intron after coding-DNA position 1263, CAGTCGGTGAGGCAGCAGTC inserted.
Molecular consequence: intron variant.
Genome position: GRCh38 VCF-style: chr8-143933991-C-CGACTGCTGCCTCACCGACTG. GRCh37 (hg19) VCF-style: chr8-145008159-C-CGACTGCTGCCTCACCGACTG.
Other names: c.1344+6_1344+7insCAGTCGGTGAGGCAGCAGTC (NM_000445.5); c.1221+6_1221+7insCAGTCGGTGAGGCAGCAGTC (NM_201378.4); c.1197+6_1197+7insCAGTCGGTGAGGCAGCAGTC (NM_201379.3); c.1674+6_1674+7insCAGTCGGTGAGGCAGCAGTC (NM_201380.4); c.1167+6_1167+7insCAGTCGGTGAGGCAGCAGTC (NM_201381.3); c.1263+6_1263+7insCAGTCGGTGAGGCAGCAGTC (NM_201382.4); c.1275+6_1275+7insCAGTCGGTGAGGCAGCAGTC (NM_201383.3).
Identifiers: ClinVar variation 1176279 (VCV001176279.35), dbSNP rs782710802, ClinGen allele CA2499219162.

ClinVar aggregate classification (germline): Uncertain significance (1 of 4 stars; one submission).

Submission:

CeGaT Center for Human Genetics Tuebingen
Classification: Uncertain significance. Last evaluated: 2023-12-01. Review status: criteria provided, single submitter. Criteria: CeGaT Center For Human Genetics Tuebingen Variant Classification Criteria Version 2. Collection method: clinical testing. Allele origin: germline. Affected: yes. Observed: 2 variant alleles.
Comment: PLEC: PM2, PP3